The following is an entry in ClinVar:

ClinVar aggregate classification (germline): Uncertain significance (1 of 4 stars; one submission).

Allele frequency attached by ClinVar (database versions not stated): gnomAD exomes below 0.00001.

Submission:

Labcorp Genetics (formerly Invitae), Labcorp
Classification: Uncertain significance. Last evaluated: 2025-08-18. Review status: criteria provided, single submitter. Criteria: Invitae Variant Classification Sherloc (09022015). Collection method: clinical testing. Allele origin: germline.
Comment: This sequence change replaces arginine, which is basic and polar, with cysteine, which is neutral and slightly polar, at codon 207 of the KCNV2 protein (p.Arg207Cys). The frequency data for this variant in the population databases is considered unreliable, as metrics indicate poor data quality at this position in the gnomAD database. This variant has not been reported in the literature in individuals affected with KCNV2-related conditions. ClinVar contains an entry for this variant (Variation ID: 1363926). Invitae Evidence Modeling of protein sequence and biophysical properties (such as structural, functional, and spatial information, amino acid conservation, physicochemical variation, residue mobility, and thermodynamic stability) indicates that this missense variant is not expected to disrupt KCNV2 protein function with a negative predictive value of 95%. In summary, the available evidence is currently insufficient to determine the role of this variant in disease. Therefore, it has been classified as a Variant of Uncertain Significance.

NM_133497.4(KCNV2):c.619C>T (p.Arg207Cys)

Gene: KCNV2 (potassium voltage-gated channel modifier subfamily V member 2; plus strand). Cytogenetic location: 9p24.2.
Variant type: single nucleotide variant.
Coding change: c.619C>T on transcript NM_133497.4 (MANE Select); coding-DNA position 619, C replaced by T.
Protein change: p.Arg207Cys; replaces arginine 207 with cysteine.
Molecular consequence: missense variant.
Genome position (GRCh38, 1-based): chr9:2,718,358, C>T. VCF-style: chr9-2718358-C-T. GRCh37 (hg19) VCF-style: chr9-2718358-C-T.
Other names: short protein forms R207C.
Identifiers: ClinVar variation 1363926 (VCV001363926.8), dbSNP rs1242550633, ClinGen allele CA372798550.
Genomic context (GRCh38, chr9:2,718,358, plus strand): 5'-TACTGGGGCGTGCGGCTCAAGTACACGCCACGCTGCTGCCGCATCTGCTTCGAGGAGCGG[C>T]GCGACGAGCTGAGCGAACGGCTCAAGATCCAGCACGAGCTGCGCGCGCAGGCGCAGGTCG-3'
Protein context (NP_598004.1, residues 197-217): RCCRICFEER[Arg207Cys]DELSERLKIQ